The following is an entry in ClinVar:

ClinVar aggregate classification (germline): Uncertain significance (1 of 4 stars; one submission).

Conditions:
Hereditary spastic paraplegia 63. Also called: Spastic paraplegia 63, autosomal recessive. Identifiers: Orphanet 401805, MedGen C3810295, MONDO:0014305, OMIM 615686.
Pontocerebellar hypoplasia type 9. Identifiers: Orphanet 369920, MedGen C4014354, MONDO:0014351, OMIM 615809.

Allele frequency attached by ClinVar (database versions not stated): ExAC 0.00001; gnomAD 0.00001; 1000 Genomes Project 30x 0.00016; 1000 Genomes Project 0.00020.
gnomAD v4.1: 5 of 1,614,018 alleles (0.00031%); highest among the groups gnomAD compares: Admixed American, 0.0067%; no homozygotes.

Submission:

Labcorp Genetics (formerly Invitae), Labcorp
Classification: Uncertain significance for Pontocerebellar hypoplasia type 9; Hereditary spastic paraplegia 63. Last evaluated: 2022-08-09. Review status: criteria provided, single submitter. Criteria: Invitae Variant Classification Sherloc (09022015). Collection method: clinical testing. Allele origin: germline.
Comment: In summary, the available evidence is currently insufficient to determine the role of this variant in disease. Therefore, it has been classified as a Variant of Uncertain Significance. Algorithms developed to predict the effect of missense changes on protein structure and function are either unavailable or do not agree on the potential impact of this missense change (SIFT: "Deleterious"; PolyPhen-2: "Probably Damaging"; Align-GVGD: "Class C0"). ClinVar contains an entry for this variant (Variation ID: 1396594). This variant has not been reported in the literature in individuals affected with AMPD2-related conditions. This variant is not present in population databases (gnomAD no frequency). This sequence change replaces glutamic acid, which is acidic and polar, with aspartic acid, which is acidic and polar, at codon 850 of the AMPD2 protein (p.Glu850Asp).

NM_001368809.2(AMPD2):c.2388G>T (p.Glu796Asp)

Gene: AMPD2 (adenosine monophosphate deaminase 2; plus strand). Cytogenetic location: 1p13.3.
Variant type: single nucleotide variant.
Coding change: c.2388G>T on transcript NM_001368809.2 (MANE Select); coding-DNA position 2388, G replaced by T.
Protein change: p.Glu796Asp; replaces glutamic acid 796 with aspartic acid.
Molecular consequence: missense variant.
Genome position (GRCh38, 1-based): chr1:109,631,062, G>T. VCF-style: chr1-109631062-G-T. GRCh37 (hg19) VCF-style: chr1-110173684-G-T.
Other names: c.2196G>T, p.Glu732Asp (NM_001257361.2); c.2325G>T, p.Glu775Asp (NM_001308170.1); c.2388G>T, p.Glu796Asp (NM_004037.9); c.2307G>T, p.Glu769Asp (NM_139156.4); short protein forms E732D, E796D, E769D, E775D.
Identifiers: ClinVar variation 1396594 (VCV001396594.8), dbSNP rs202071045, ClinGen allele CA993392.